The following is an entry in ClinVar:

ClinVar aggregate classification (germline): Benign. Review status: reviewed by expert panel (3 of 4 stars). 5 submissions from 5 submitters: Benign (1). 4 of the submissions do not count toward it. Last evaluated 2021-01-11.

Conditions:
Hereditary cancer-predisposing syndrome. Also called: Neoplastic Syndromes, Hereditary; Tumor predisposition; Hereditary neoplastic syndrome; Hereditary Cancer Syndrome. Identifiers: Orphanet 140162, MedGen C0027672, MeSH D009386, MONDO:0015356.
Hereditary thrombocytopenia and hematological cancer predisposition syndrome associated with RUNX1. Also called: PLATELET DISORDER, ASPIRIN-LIKE; Familial Platelet Disorder with Propensity to Acute Myelogenous Leukemia; Familial thrombocytopenia with propensity to acute myelogenous leukemia; RUNX1 Familial Platelet Disorder with Associated Myeloid Malignancies. Identifiers: Orphanet 71290, MedGen C1832388, MeSH C563324, MONDO:0100083, OMIM 601399.
Hereditary thrombocytopenia and hematologic cancer predisposition syndrome. Identifiers: Orphanet 71290, MedGen CN281654, MONDO:0011071.
Inborn genetic diseases. Identifiers: MedGen C0950123, MeSH D030342.

Allele frequency attached by ClinVar (database versions not stated): gnomAD 0.00001 and 0.00003; TOPMed 0.00014; 1000 Genomes Project 30x 0.00047.
gnomAD v4.1: 32 of 1,530,352 alleles (0.0021%); highest among the groups gnomAD compares: East Asian, 0.073%; no homozygotes.

Submissions (5):

ClinGen Myeloid Malignancy Variant Curation Expert Panel
Classification: Benign for Hereditary thrombocytopenia and hematologic cancer predisposition syndrome. Last evaluated: 2021-01-11. Review status: reviewed by expert panel. Criteria: ClinGen MyeloMalig ACMG Specifications v1. Collection method: curation. Allele origin: germline. Inheritance: Autosomal dominant inheritance.
Comment: The NM_001754.4:c.1396A>T variant that results in a Met466Leu missense change has an MAF of 0.001761 (0.1%, 23/13058 alleles) in the East Asian subpopulation of the gnomAD v2.1.1 cohort, which is >0.0015 (0.15%) (BA1). This missense variant has a REVEL score <0.15 (0.149) and SSF and MES predict no effect on splicing (BP4). The variant has not been reported in the germ line of patients with familial platelet disorder with predisposition to hematologic malignancies in the literature, to the best of our knowledge. In summary, this variant meets criteria to be classified as benign. ACMG/AMP criteria applied, as specified by the Myeloid Malignancy Variant Curation Expert Panel for RUNX1: BA1, BP4.

Labcorp Genetics (formerly Invitae), Labcorp
Classification: Likely benign for Hereditary thrombocytopenia and hematological cancer predisposition syndrome associated with RUNX1. Last evaluated: 2025-12-06. Review status: criteria provided, single submitter. Criteria: Invitae Variant Classification Sherloc (09022015). Collection method: clinical testing. Allele origin: germline. Not counted in ClinVar's aggregate classification.

Ambry Genetics
Classification: Benign for Inborn genetic diseases. Last evaluated: 2024-06-25. Review status: criteria provided, single submitter. Criteria: Ambry Variant Classification Scheme 2023. Collection method: clinical testing. Allele origin: germline. Not counted in ClinVar's aggregate classification.

Sema4
Classification: Benign for Hereditary cancer-predisposing syndrome. Last evaluated: 2022-02-10. Review status: criteria provided, single submitter. Criteria: Sema4 Curation Guidelines. Collection method: curation. Allele origin: germline. Not counted in ClinVar's aggregate classification.

ARUP Laboratories, Molecular Genetics and Genomics, ARUP Laboratories
Classification: Uncertain significance for Hereditary thrombocytopenia and hematological cancer predisposition syndrome associated with RUNX1. Last evaluated: 2018-09-19. Review status: criteria provided, single submitter. Criteria: ARUP Molecular Germline Variant Investigation Process. Collection method: clinical testing. Allele origin: germline. Not counted in ClinVar's aggregate classification.
Comment: The RUNX1 c.1396A>T; p.Met466Leu variant (rs762213305), to our knowledge, is not reported in the medical literature but is reported as uncertain significance in ClinVar (Variation ID: 463982). This variant is found in the East Asian population with an allele frequency of 0.19% (23/12,256 alleles) in the Genome Aggregation Database. The methionine at codon 466 is moderately conserved, but computational analyses (SIFT: tolerated, PolyPhen-2: possibly damaging) predict conflicting effects of this variant on protein structure/function. Due to limited information, the clinical significance of the p.Met466Leu variant is uncertain at this time.

NM_001754.5(RUNX1):c.1396A>T (p.Met466Leu)

Gene: RUNX1 (RUNX family transcription factor 1; minus strand). Cytogenetic location: 21q22.12.
Variant type: single nucleotide variant.
Coding change: c.1396A>T on transcript NM_001754.5 (MANE Select); coding-DNA position 1396, A replaced by T.
Protein change: p.Met466Leu; replaces methionine 466 with leucine.
Molecular consequence: missense variant.
Genome position (GRCh38, 1-based): chr21:34,792,182, T>A on the plus strand (A>T on the coding strand, the complement: RUNX1 is on the minus strand). VCF-style: chr21-34792182-T-A. GRCh37 (hg19) VCF-style: chr21-36164479-T-A.
Other names: c.1315A>T, p.Met439Leu (NM_001001890.3); short protein forms M466L, M439L.
Identifiers: ClinVar variation 463982 (VCV000463982.22), dbSNP rs762213305, ClinGen allele CA10014176.
Genomic context (GRCh38, chr21:34,792,182, plus strand): 5'-CAGGCCTGGCGCCTCAGTAGGGCCTCCACACGGCCTCCTCCAGGCGCGCGGAGGGCGCCA[T>A]GTTGGTGGGGGAGTTGCTGTGGCTGCCCTCGGCCTCCACCACGTCGCTCTGGTTCGGGAG-3'
Protein context (NP_001745.2, residues 456-476): EGSHSNSPTN[Met466Leu]APSARLEEAV